The following is an entry in ClinVar:

NM_005236.3(ERCC4):c.2594C>T (p.Ser865Phe)

Gene: ERCC4 (ERCC excision repair 4, endonuclease catalytic subunit; plus strand). Cytogenetic location: 16p13.12.
Variant type: single nucleotide variant.
Coding change: c.2594C>T on transcript NM_005236.3 (MANE Select); coding-DNA position 2594, C replaced by T.
Protein change: p.Ser865Phe; replaces serine 865 with phenylalanine.
Molecular consequence: missense variant.
Genome position (GRCh38, 1-based): chr16:13,948,190, C>T. VCF-style: chr16-13948190-C-T. GRCh37 (hg19) VCF-style: chr16-14042047-C-T.
Other names: short protein forms S865F.
Identifiers: ClinVar variation 1710936 (VCV001710936.2), dbSNP rs779099430, ClinGen allele CA7910772.

ClinVar aggregate classification (germline): Uncertain significance. Review status: criteria provided, multiple submitters, no conflicts (2 of 4 stars). 2 submissions from 2 submitters: Uncertain significance (2). Last evaluated 2024-03-28.

Conditions:
Xeroderma pigmentosum, group F (XPF). Also called: XERODERMA PIGMENTOSUM, COMPLEMENTATION GROUP F; XERODERMA PIGMENTOSUM VI; XP, GROUP F; ERCC4-Related Xeroderma Pigmentosum; XERODERMA PIGMENTOSUM, TYPE F; Xeroderma pigmentosum, type 6. Identifiers: MedGen C0268140, MONDO:0010215, OMIM 278760.
XFE progeroid syndrome (XFEPS). Also called: XPF-ERCC1 PROGEROID SYNDROME. Identifiers: MedGen C1970416, MONDO:0012590, OMIM 610965.
Fanconi anemia complementation group Q. Identifiers: Orphanet 84, MedGen C3808988, MONDO:0014108, OMIM 615272.

Allele frequency attached by ClinVar (database versions not stated): gnomAD exomes 0.00001; ExAC 0.00002.
gnomAD v4.1: 10 of 1,614,156 alleles (0.00062%); highest among the groups gnomAD compares: South Asian, 0.0099%; no homozygotes.

Submissions (2):

Fulgent Genetics
Classification: Uncertain significance for Xeroderma pigmentosum, group F; XFE progeroid syndrome; Fanconi anemia complementation group Q. Last evaluated: 2024-03-28. Review status: criteria provided, single submitter. Criteria: ACMG Guidelines, 2015. Collection method: clinical testing. Allele origin: germline.

St. Jude Molecular Pathology, St. Jude Children's Research Hospital
Classification: Uncertain significance for Xeroderma pigmentosum, group F. Last evaluated: 2022-08-30. Review status: criteria provided, single submitter. Criteria: St. Jude Assertion Criteria 2020. Collection method: clinical testing. Allele origin: germline.
Comment: The ERCC4 c.2594C>T (p.Ser865Phe) missense change has a maximum subpopulation frequency of 0.0098% in gnomAD v2.1.1. The in silico tool REVEL predicts a benign effect on protein function, but to our knowledge this prediction has not been confirmed by functional studies. To our knowledge, this variant has not been reported in individuals with Fanconi anemia or Xeroderma pigmentosum. In summary, the evidence currently available is insufficient to determine the clinical significance of this variant. It has therefore been classified as of uncertain significance.